The following is an entry in ClinVar:

ClinVar aggregate classification (germline): Likely benign. Review status: criteria provided, multiple submitters, no conflicts (2 of 4 stars). 4 submissions from 4 submitters: Likely benign (4). Last evaluated 2025-08-02.

Allele frequency attached by ClinVar (database versions not stated): ExAC 0.00085; gnomAD 0.00137; TOPMed 0.00166; ESP Exome Variant Server 0.00219; 1000 Genomes Project 30x 0.00234; 1000 Genomes Project 0.00260.
gnomAD v4.1: 593 of 1,536,954 alleles (0.039%); highest among the groups gnomAD compares: African/African-American, 0.47%; 2 homozygotes.

Submissions (4):

Ambry Genetics
Classification: Likely benign. Last evaluated: 2025-08-02. Review status: criteria provided, single submitter. Criteria: Ambry Variant Classification Scheme 2023. Collection method: clinical testing. Allele origin: germline.

CeGaT Center for Human Genetics Tuebingen
Classification: Likely benign. Last evaluated: 2022-06-01. Review status: criteria provided, single submitter. Criteria: CeGaT Center For Human Genetics Tuebingen Variant Classification Criteria Version 2. Collection method: clinical testing. Allele origin: germline. Affected: yes. Observed: 1 variant allele.
Comment: STARD9: BP4, BS2

Labcorp Genetics (formerly Invitae), Labcorp
Classification: Likely benign. Last evaluated: 2018-05-02. Review status: criteria provided, single submitter. Criteria: Invitae Variant Classification Sherloc (09022015). Collection method: clinical testing. Allele origin: germline.

Breakthrough Genomics
Classification: Likely benign. Review status: criteria provided, single submitter. Criteria: ACMG Guidelines, 2015. Collection method: not provided. Allele origin: germline. Inheritance: Unknown mechanism. Affected: yes.

NM_020759.3(STARD9):c.5957G>A (p.Arg1986His)

Gene: STARD9 (StAR related lipid transfer domain containing 9; plus strand). Cytogenetic location: 15q15.2.
Variant type: single nucleotide variant.
Coding change: c.5957G>A on transcript NM_020759.3 (MANE Select); coding-DNA position 5957, G replaced by A.
Protein change: p.Arg1986His; replaces arginine 1986 with histidine.
Molecular consequence: missense variant.
Genome position (GRCh38, 1-based): chr15:42,687,535, G>A. VCF-style: chr15-42687535-G-A. GRCh37 (hg19) VCF-style: chr15-42979733-G-A.
Other names: short protein forms R1986H.
Identifiers: ClinVar variation 733003 (VCV000733003.29), dbSNP rs115067542, ClinGen allele CA7514423.